The following is an entry in ClinVar:

NM_030962.4(SBF2):c.1902_1905dup (p.Pro636fs)

Genes: SBF2 (SET binding factor 2; minus strand), LOC101928008 (uncharacterized LOC101928008; plus strand). Cytogenetic location: 11p15.4.
Variant type: Duplication.
Coding change: c.1902_1905dup on transcript NM_030962.4 (MANE Select); coding-DNA positions 1902 to 1905, 4 bases duplicated (ACTC; older notation c.1902_1905dupACTC).
Protein change: p.Pro636fs; shifts the reading frame from proline 636.
Molecular consequence: frameshift variant.
Genome position (GRCh38, 1-based): chr11:9,895,967-9,895,970, GAGT duplicated on the plus strand (ACTC on the coding strand, the reverse complement: SBF2 is on the minus strand). VCF-style (leftmost placement, unchanged base first): chr11-9895966-G-GGAGT. GRCh37 (hg19) VCF-style: chr11-9917513-G-GGAGT.
Other names: c.1902_1905dup, p.Pro636fs (NM_001386339.1); c.1773_1776dup, p.Pro593fs (NM_001386342.1); c.1938_1941dup, p.Pro648fs (NM_001424318.1, NM_001425069.1, NM_001425070.1); short protein forms P593fs, P636fs, P648fs.
Identifiers: ClinVar variation 3731532 (VCV003731532.1).

ClinVar aggregate classification (germline): Likely pathogenic (1 of 4 stars; one submission).

Conditions:
Charcot-Marie-Tooth disease type 4B2. Also called: Charcot-Marie-Tooth Neuropathy Type 4B2; CHARCOT-MARIE-TOOTH DISEASE, DEMYELINATING, TYPE 4B2; CHARCOT-MARIE-TOOTH DISEASE, WITH FOCALLY FOLDED MYELIN SHEATHS, AUTOSOMAL RECESSIVE, TYPE 4B2; CMT 4B2. Identifiers: Orphanet 99956, MedGen C1858278, MONDO:0011475, OMIM 604563.

Submission:

Neuberg Centre For Genomic Medicine, NCGM
Classification: Likely pathogenic for Charcot-Marie-Tooth disease type 4B2. Last evaluated: 2023-06-22. Review status: criteria provided, single submitter. Criteria: ACMG Guidelines, 2015. Collection method: clinical testing. Allele origin: germline. Inheritance: Autosomal recessive inheritance. Affected: yes.
Comment: The observed frameshift variant c.1902_1905dup(p.Pro636ThrfsTer9) in SBF2 gene has not been reported previously as a pathogenic variant nor as a benign variant, to our knowledge. This variant is absent in gnomAD Exomes. This variant causes a frameshift starting with codon Proline 636, changes this amino acid to Threonine residue, and creates a premature Stop codon at position 9 of the new reading frame, denoted p.Pro636ThrfsTer9. This variant is predicted to cause loss of normal protein function through protein truncation. Loss of function variants have been previously reported to be disease causing (Negrão L, et al., 2014). For these reasons, this variant has been classified as Likely Pathogenic.